The following is an entry in ClinVar:

ClinVar aggregate classification (germline): Uncertain significance (1 of 4 stars; one submission).

Conditions:
Ichthyosis and erythrokeratoderma.

gnomAD v4.1: 3 of 1,614,172 alleles (0.00019%); highest among the groups gnomAD compares: Non-Finnish European, 0.00025%; no homozygotes.

Submission:

Genetics Laboratory, Great Ormond Street Hospital NHS Foundation Trust, North Thames Genomic Laboratory Hub
Classification: Uncertain significance for Ichthyosis and erythrokeratoderma. Last evaluated: 2026-07-07. Review status: criteria provided, single submitter. Criteria: ACGS Best Practice Guidelines for Variant Classification in Rare Disease 2024 v1.2. Collection method: clinical testing. Allele origin: germline. Affected: yes.
Comment: PM2_moderate, PP3_supporting, PP4_supporting

NM_021628.3(ALOXE3):c.850C>G (p.Pro284Ala)

Gene: ALOXE3 (arachidonate epidermal lipoxygenase 3; minus strand). Cytogenetic location: 17p13.1.
Variant type: single nucleotide variant.
Coding change: c.850C>G on transcript NM_021628.3 (MANE Select); coding-DNA position 850, C replaced by G.
Protein change: p.Pro284Ala; replaces proline 284 with alanine.
Molecular consequence: missense variant.
Genome position (GRCh38, 1-based): chr17:8,111,466, G>C on the plus strand (C>G on the coding strand, the complement: ALOXE3 is on the minus strand). VCF-style: chr17-8111466-G-C. GRCh37 (hg19) VCF-style: chr17-8014784-G-C.
Other names: c.1246C>G, p.Pro416Ala (NM_001165960.1); c.847C>G, p.Pro283Ala (NM_001369446.1); short protein forms P283A, P284A, P416A.
Identifiers: ClinVar variation 4887986 (VCV004887986.1).